The following is an entry in ClinVar:

NM_001211.6(BUB1B):c.1249G>A (p.Ala417Thr)

Gene: BUB1B (BUB1 mitotic checkpoint serine/threonine kinase B; plus strand). Cytogenetic location: 15q15.1.
Variant type: single nucleotide variant.
Coding change: c.1249G>A on transcript NM_001211.6 (MANE Select); coding-DNA position 1249, G replaced by A.
Protein change: p.Ala417Thr; replaces alanine 417 with threonine.
Molecular consequence: missense variant.
Genome position (GRCh38, 1-based): chr15:40,196,735, G>A. VCF-style: chr15-40196735-G-A. GRCh37 (hg19) VCF-style: chr15-40488936-G-A.
Other names: short protein forms A417T.
Identifiers: ClinVar variation 4216955 (VCV004216955.1).

ClinVar aggregate classification (germline): Uncertain significance (1 of 4 stars; one submission).

Conditions:
Inborn genetic diseases. Identifiers: MedGen C0950123, MeSH D030342.

Submission:

Ambry Genetics
Classification: Uncertain significance for Inborn genetic diseases. Last evaluated: 2025-08-01. Review status: criteria provided, single submitter. Criteria: Ambry Variant Classification Scheme 2023. Collection method: clinical testing. Allele origin: germline.
Comment: The p.A417T variant (also known as c.1249G>A), located in coding exon 9 of the BUB1B gene, results from a G to A substitution at nucleotide position 1249. The alanine at codon 417 is replaced by threonine, an amino acid with similar properties. This amino acid position is conserved. In addition, the in silico prediction for this alteration is inconclusive. Based on the available evidence, the clinical significance of this variant remains unclear.